The following is an entry in ClinVar:

ClinVar aggregate classification (germline): Benign/Likely benign. Review status: criteria provided, multiple submitters, no conflicts (2 of 4 stars). 3 submissions from 3 submitters: Benign (1); Likely benign (2). Last evaluated 2025-03-26.

Conditions:
Intellectual developmental disorder, autosomal dominant 1. Also called: Intellectual disability, autosomal dominant 1; MBD5 Haploinsufficiency. Identifiers: Orphanet 228402, MedGen C1969562, MONDO:0007974, OMIM 156200.
Inborn genetic diseases. Identifiers: MedGen C0950123, MeSH D030342.

Allele frequency attached by ClinVar (database versions not stated): gnomAD exomes below 0.00001 and 0.00001.
gnomAD v4.1: 5 of 1,614,080 alleles (0.00031%); highest among the groups gnomAD compares: Admixed American, 0.005%; no homozygotes.

Submissions (3):

Labcorp Genetics (formerly Invitae), Labcorp
Classification: Likely benign for Intellectual developmental disorder, autosomal dominant 1. Last evaluated: 2025-03-26. Review status: criteria provided, single submitter. Criteria: Invitae Variant Classification Sherloc (09022015). Collection method: clinical testing. Allele origin: germline.

Ambry Genetics
Classification: Benign for Inborn genetic diseases. Last evaluated: 2020-02-20. Review status: criteria provided, single submitter. Criteria: Ambry Variant Classification Scheme 2023. Collection method: clinical testing. Allele origin: germline.

GeneDx
Classification: Likely benign. Last evaluated: 2015-10-23. Review status: criteria provided, single submitter. Criteria: GeneDx Variant Classification (06012015). Collection method: clinical testing. Allele origin: germline. Affected: yes.
Comment: This variant is considered likely benign or benign based on one or more of the following criteria: it is a conservative change, it occurs at a poorly conserved position in the protein, it is predicted to be benign by multiple in silico algorithms, and/or has population frequency not consistent with disease.

NM_001378120.1(MBD5):c.4218G>A (p.Gly1406=)

Gene: MBD5 (methyl-CpG binding domain protein 5; plus strand). Cytogenetic location: 2q23.1.
Variant type: single nucleotide variant.
Coding change: c.4218G>A on transcript NM_001378120.1 (MANE Select); coding-DNA position 4218, G replaced by A.
Protein change: p.Gly1406=; no amino-acid change (glycine 1406 retained).
Molecular consequence: synonymous variant.
Genome position (GRCh38, 1-based): chr2:148,489,850, G>A. VCF-style: chr2-148489850-G-A. GRCh37 (hg19) VCF-style: chr2-149247419-G-A.
Other names: c.3519G>A, p.Gly1173= (NM_018328.5).
Identifiers: ClinVar variation 381137 (VCV000381137.14), dbSNP rs1014000010, ClinGen allele CA16603761.